The following is an entry in ClinVar:

NM_005335.6(HCLS1):c.1092TGAGCC[4] (p.364PE[8])

Gene: HCLS1 (hematopoietic cell-specific Lyn substrate 1; minus strand). Cytogenetic location: 3q13.33.
Variant type: Microsatellite.
Coding change: c.1092TGAGCC[4] on transcript NM_005335.6 (MANE Select); four copies in a row of the 6-base unit TGAGCC starting at c.1092; the reference has two copies in a row; two copies, 12 bases duplicated.
Protein change: p.364PE[8].
Molecular consequence: inframe insertion.
Genome position (GRCh38, 1-based): chr3:121,632,469-121,632,480, GGCTCAGGCTCA duplicated on the plus strand (TGAGCCTGAGCC on the coding strand, the reverse complement: HCLS1 is on the minus strand); duplicating any 12 consecutive bases within chr3:121,632,469-121,632,485 gives the same sequence; the position shown is the placement nearest the transcript's 3' end. VCF-style (leftmost placement, unchanged base first): chr3-121632468-G-GGGCTCAGGCTCA. GRCh37 (hg19) VCF-style: chr3-121351315-G-GGGCTCAGGCTCA.
Other names: c.981TGAGCC[4], p.327PE[8] (NM_001292041.2).
Identifiers: ClinVar variation 1291285 (VCV001291285.4), dbSNP rs150627065, ClinGen allele CA81863872.

ClinVar aggregate classification (germline): Benign. Review status: criteria provided, multiple submitters, no conflicts (2 of 4 stars). 2 submissions from 2 submitters: Benign (2). Last evaluated 2024-08-30.

Submissions (2):

Labcorp Genetics (formerly Invitae), Labcorp
Classification: Benign. Last evaluated: 2024-08-30. Review status: criteria provided, single submitter. Criteria: Invitae Variant Classification Sherloc (09022015). Collection method: clinical testing. Allele origin: germline.

GeneDx
Classification: Benign. Last evaluated: 2019-01-10. Review status: criteria provided, single submitter. Criteria: GeneDx Variant Classification Process June 2021. Collection method: clinical testing. Allele origin: germline. Affected: yes.
Comment: This variant is associated with the following publications: (PMID: 15022330)